The following is an entry in ClinVar:

ClinVar aggregate classification (germline): Uncertain significance (1 of 4 stars; one submission).

Conditions:
Osteogenesis imperfecta type 7 (OI7). Also called: OSTEOGENESIS IMPERFECTA, TYPE IIB; OI type 7; OI type VII; Osteogenesis imperfecta type 2B; OI type 2B; Osteogenesis imperfecta, perinatal lethal autosomal recessive. Identifiers: MedGen C1853162, MONDO:0012536, OMIM 610682.

Allele frequency attached by ClinVar (database versions not stated): gnomAD 0.00002; TOPMed 0.00002; 1000 Genomes Project 0.00020; 1000 Genomes Project 30x 0.00031.
gnomAD v4.1: 11 of 1,603,780 alleles (0.00069%); highest among the groups gnomAD compares: African/African-American, 0.013%; no homozygotes.

Submission:

Labcorp Genetics (formerly Invitae), Labcorp
Classification: Uncertain significance for Osteogenesis imperfecta type 7. Last evaluated: 2025-09-15. Review status: criteria provided, single submitter. Criteria: Invitae Variant Classification Sherloc (09022015). Collection method: clinical testing. Allele origin: germline.
Comment: This sequence change replaces arginine, which is basic and polar, with cysteine, which is neutral and slightly polar, at codon 144 of the CRTAP protein (p.Arg144Cys). The frequency data for this variant in the population databases is considered unreliable, as metrics indicate poor data quality at this position in the gnomAD database. This variant has not been reported in the literature in individuals affected with CRTAP-related conditions. ClinVar contains an entry for this variant (Variation ID: 2196082). Invitae Evidence Modeling of protein sequence and biophysical properties (such as structural, functional, and spatial information, amino acid conservation, physicochemical variation, residue mobility, and thermodynamic stability) has been performed for this missense variant. However, the output from this modeling did not meet the statistical confidence thresholds required to predict the impact of this variant on CRTAP protein function. In summary, the available evidence is currently insufficient to determine the role of this variant in disease. Therefore, it has been classified as a Variant of Uncertain Significance.

NM_006371.5(CRTAP):c.430C>T (p.Arg144Cys)

Gene: CRTAP (cartilage associated protein; plus strand). Cytogenetic location: 3p22.3.
Variant type: single nucleotide variant.
Coding change: c.430C>T on transcript NM_006371.5 (MANE Select); coding-DNA position 430, C replaced by T.
Protein change: p.Arg144Cys; replaces arginine 144 with cysteine.
Molecular consequence: missense variant.
Genome position (GRCh38, 1-based): chr3:33,114,507, C>T. VCF-style: chr3-33114507-C-T. GRCh37 (hg19) VCF-style: chr3-33155999-C-T.
Other names: c.430C>T, p.Arg144Cys (NM_001393363.1, NM_001393364.1, NM_001393365.1); short protein forms R144C.
Identifiers: ClinVar variation 2196082 (VCV002196082.2), dbSNP rs532846004, ClinGen allele CA2300272.